The following is an entry in ClinVar:

NM_001130009.3(GEN1):c.643C>T (p.Pro215Ser)

Gene: GEN1 (GEN1 structure-specific endonuclease; plus strand). Cytogenetic location: 2p24.2.
Variant type: single nucleotide variant.
Coding change: c.643C>T on transcript NM_001130009.3 (MANE Select); coding-DNA position 643, C replaced by T.
Protein change: p.Pro215Ser; replaces proline 215 with serine.
Molecular consequence: missense variant.
Genome position (GRCh38, 1-based): chr2:17,768,744, C>T. VCF-style: chr2-17768744-C-T. GRCh37 (hg19) VCF-style: chr2-17950011-C-T.
Other names: c.643C>T, p.Pro215Ser (NM_182625.5); short protein forms P215S.
Identifiers: ClinVar variation 4671523 (VCV004671523.1).

ClinVar aggregate classification (germline): Uncertain significance (1 of 4 stars; one submission).

Submission:

Ambry Genetics
Classification: Uncertain significance. Last evaluated: 2025-12-07. Review status: criteria provided, single submitter. Criteria: Ambry Variant Classification Scheme 2023. Collection method: clinical testing. Allele origin: germline.
Comment: The p.P215S variant (also known as c.643C>T), located in coding exon 5 of the GEN1 gene, results from a C to T substitution at nucleotide position 643. The proline at codon 215 is replaced by serine, an amino acid with similar properties. This amino acid position is conserved. In addition, this alteration is predicted to be tolerated by in silico analysis. Based on the available evidence, the clinical significance of this variant remains unclear.